The following is an entry in ClinVar:

ClinVar aggregate classification (germline): Benign. Review status: criteria provided, multiple submitters, no conflicts (2 of 4 stars). 14 submissions from 13 submitters: Benign (11). 3 of the submissions do not count toward it. Last evaluated 2026-02-03.

Conditions:
Cardiovascular phenotype. Identifiers: MedGen CN230736.
Cardiomyopathy (CMYO). Also called: Cardiomyopathies. Identifiers: Orphanet 167848, MedGen C0878544, MONDO:0004994, HP:0001638. Inheritance: Various modes of inheritance.
Catecholaminergic polymorphic ventricular tachycardia 1. Also called: VENTRICULAR TACHYCARDIA, CATECHOLAMINERGIC POLYMORPHIC, 1, WITH OR WITHOUT ATRIAL DYSFUNCTION AND/OR DILATED CARDIOMYOPATHY; RYR2-Related Catecholaminergic Polymorphic Ventricular Tachycardia; VENTRICULAR TACHYCARDIA, STRESS-INDUCED POLYMORPHIC 1. Identifiers: Orphanet 3286, MedGen C1631597, MONDO:0011484, OMIM 604772.
Arrhythmogenic right ventricular dysplasia 2. Identifiers: MedGen C1832931.

Allele frequency attached by ClinVar (database versions not stated): ExAC 0.00944; ESP Exome Variant Server 0.01169; gnomAD 0.01249 and 0.01334; TOPMed 0.01385; 1000 Genomes Project 0.01717; 1000 Genomes Project 30x 0.01749.
gnomAD v4.1: 4,190 of 1,593,286 alleles (0.26%); highest among the groups gnomAD compares: African/African-American, 4.2%; 82 homozygotes.

Submissions (14):

Labcorp Genetics (formerly Invitae), Labcorp
Classification: Benign for Catecholaminergic polymorphic ventricular tachycardia 1. Last evaluated: 2026-02-03. Review status: criteria provided, single submitter. Criteria: Invitae Variant Classification Sherloc (09022015). Collection method: clinical testing. Allele origin: germline.

ARUP Laboratories, Molecular Genetics and Genomics, ARUP Laboratories
Classification: Benign. Last evaluated: 2025-05-14. Review status: criteria provided, single submitter. Criteria: ARUP Molecular Germline Variant Investigation Process 2024. Collection method: clinical testing. Allele origin: germline.

Molecular Diagnostic Laboratory for Inherited Cardiovascular Disease, Montreal Heart Institute
Classification: Benign. Last evaluated: 2025-04-09. Review status: criteria provided, single submitter. Criteria: ACMG Guidelines, 2015. Collection method: clinical testing. Allele origin: germline. Affected: no.

Color Diagnostics, LLC DBA Color Health
Classification: Benign for Cardiomyopathy. Last evaluated: 2018-03-20. Review status: criteria provided, single submitter. Criteria: ACMG Guidelines, 2015. Collection method: clinical testing. Allele origin: germline.

Illumina Laboratory Services, Illumina
Classification: Benign for Catecholaminergic polymorphic ventricular tachycardia 1. Last evaluated: 2018-01-12. Review status: criteria provided, single submitter. Criteria: ICSL Variant Classification Criteria 13 December 2019. Collection method: clinical testing. Allele origin: germline.
Comment: This variant was observed in the ICSL laboratory as part of a predisposition screen in an ostensibly healthy population. It had not been previously curated by ICSL or reported in the Human Gene Mutation Database (HGMD: prior to June 1st, 2018), and was therefore a candidate for classification through an automated scoring system. Utilizing variant allele frequency, disease prevalence and penetrance estimates, and inheritance mode, an automated score was calculated to assess if this variant is too frequent to cause the disease. Based on the score and internal cut-off values, a variant classified as benign is not then subjected to further curation. The score for this variant resulted in a classification of benign for this disease.

Illumina Laboratory Services, Illumina
Classification: Benign for Catecholaminergic polymorphic ventricular tachycardia 1. Last evaluated: 2018-01-12. Review status: criteria provided, single submitter. Criteria: ICSL Variant Classification Criteria 13 December 2019. Collection method: clinical testing. Allele origin: germline.
Comment: the same text as in the submission from Illumina Laboratory Services, Illumina above.

Mayo Clinic Laboratories, Mayo Clinic
Classification: Benign. Last evaluated: 2016-02-17. Review status: criteria provided, single submitter. Criteria: ACMG Guidelines, 2015. Collection method: clinical testing. Allele origin: germline. Observed: 15 variant alleles.

Ambry Genetics
Classification: Benign for Cardiovascular phenotype. Last evaluated: 2015-10-01. Review status: criteria provided, single submitter. Criteria: Ambry Variant Classification Scheme 2023. Collection method: clinical testing. Allele origin: germline.

GeneDx
Classification: Benign. Last evaluated: 2015-03-03. Review status: criteria provided, single submitter. Criteria: GeneDx Variant Classification Process June 2021. Collection method: clinical testing. Allele origin: germline. Affected: yes.

Laboratory for Molecular Medicine, Mass General Brigham Personalized Medicine
Classification: Benign. Last evaluated: 2012-03-14. Review status: criteria provided, single submitter. Criteria: LMM Criteria. Collection method: clinical testing. Allele origin: germline. Observed: 28 variant alleles.
Comment: 4684-5G>C in intron 35 of RYR2: This variant is not expected to have clinical si gnificance because it is not located within the splice consensus sequence and ha s been identified in 3.2% (98/3078) of African American chromosomes from a broad population by the NHLBI Exome Sequencing Project (EVS; dbSNP rs7522981).

Breakthrough Genomics
Classification: Benign. Review status: criteria provided, single submitter. Criteria: ACMG Guidelines, 2015. Collection method: not provided. Allele origin: germline. Inheritance: Autosomal dominant inheritance. Affected: yes.

Clinical Genetics DNA and cytogenetics Diagnostics Lab, Erasmus MC, Erasmus Medical Center
Classification: Benign. Review status: no assertion criteria provided. Collection method: clinical testing. Allele origin: germline. Affected: yes. Study: VKGL Data-share Consensus. Not counted in ClinVar's aggregate classification.

Clinical Genetics, Academic Medical Center
Classification: Benign. Review status: no assertion criteria provided. Collection method: clinical testing. Allele origin: germline. Affected: yes. Study: VKGL Data-share Consensus. Not counted in ClinVar's aggregate classification.

Genome Diagnostics Laboratory, University Medical Center Utrecht
Classification: Benign. Review status: no assertion criteria provided. Collection method: clinical testing. Allele origin: germline. Affected: yes. Study: VKGL Data-share Consensus. Not counted in ClinVar's aggregate classification.

NM_001035.3(RYR2):c.4684-5G>C

Gene: RYR2 (ryanodine receptor 2; plus strand). Cytogenetic location: 1q43.
Variant type: single nucleotide variant.
Coding change: c.4684-5G>C on transcript NM_001035.3 (MANE Select); 5 bases into the intron before coding-DNA position 4684, G replaced by C.
Molecular consequence: intron variant.
Genome position (GRCh38, 1-based): chr1:237,610,757, G>C. VCF-style: chr1-237610757-G-C. GRCh37 (hg19) VCF-style: chr1-237774057-G-C.
Other names: p.?.
Identifiers: ClinVar variation 43792 (VCV000043792.42), dbSNP rs7522981, ClinGen allele CA009637.